The following is an entry in ClinVar:

ClinVar aggregate classification (germline): Pathogenic. Review status: criteria provided, multiple submitters, no conflicts (2 of 4 stars). 4 submissions from 4 submitters: Pathogenic (4). Last evaluated 2023-05-01.

Conditions:
Familial adenomatous polyposis 1 (FAP1). Also called: FAMILIAL ADENOMATOUS POLYPOSIS 1, ATTENUATED; POLYPOSIS, ADENOMATOUS INTESTINAL. Identifiers: MedGen C2713442, MONDO:0021056, OMIM 175100. Disease mechanism: loss of function.
Hereditary cancer-predisposing syndrome. Also called: Neoplastic Syndromes, Hereditary; Tumor predisposition; Hereditary Cancer Syndrome; Hereditary neoplastic syndrome. Identifiers: Orphanet 140162, MedGen C0027672, MeSH D009386, MONDO:0015356.

Submissions (4):

Myriad Genetics, Inc.
Classification: Pathogenic for Familial adenomatous polyposis 1. Last evaluated: 2023-05-01. Review status: criteria provided, single submitter. Criteria: Myriad Autosomal Dominant, Autosomal Recessive and X-Linked Classification Criteria (2023). Collection method: clinical testing. Allele origin: unknown.
Comment: This variant is considered pathogenic. This variant creates a termination codon and is predicted to result in premature protein truncation.

Clinical Genetics Laboratory, Skane University Hospital Lund
Classification: Pathogenic. Last evaluated: 2022-05-27. Review status: criteria provided, single submitter. Criteria: ACMG Guidelines, 2015. Collection method: clinical testing. Allele origin: germline. Affected: yes.

Labcorp Genetics (formerly Invitae), Labcorp
Classification: Pathogenic for Familial adenomatous polyposis 1. Last evaluated: 2020-12-01. Review status: criteria provided, single submitter. Criteria: Invitae Variant Classification Sherloc (09022015). Collection method: clinical testing. Allele origin: germline.
Comment: For these reasons, this variant has been classified as Pathogenic. Loss-of-function variants in APC are known to be pathogenic (PMID: 17963004, 20685668). This variant has been observed in individuals and families affected with familial adenomatous polyposis (PMID: 9341879, 15108286). ClinVar contains an entry for this variant (Variation ID: 230959). This variant is not present in population databases (ExAC no frequency). This sequence change creates a premature translational stop signal (p.Gln473*) in the APC gene. It is expected to result in an absent or disrupted protein product.

Ambry Genetics
Classification: Pathogenic for Hereditary cancer-predisposing syndrome. Last evaluated: 2018-09-29. Review status: criteria provided, single submitter. Criteria: Ambry Variant Classification Scheme 2023. Collection method: clinical testing. Allele origin: germline.
Comment: The p.Q473* pathogenic mutation (also known as c.1417C>T), located in coding exon 11 of the APC gene, results from a C to T substitution at nucleotide position 1417. This changes the amino acid from a glutamine to a stop codon within coding exon 11. This mutation has been reported in multiple individuals diagnosed with familial adenomatous polyposis (FAP) (Walon C et al. Hum. Genet. 1997 Oct;100(5-6):601-5; Bisgaard ML et al. Hum. Mutat., 2004 May;23:522). In addition to the clinical data presented in the literature, this alteration is expected to result in loss of function by premature protein truncation or nonsense-mediated mRNA decay. As such, this alteration is interpreted as a disease-causing mutation.

Literature cited by the submitters: PubMed 17963004 (cited by Labcorp Genetics (formerly Invitae), Labcorp); PubMed 20685668 (cited by Labcorp Genetics (formerly Invitae), Labcorp); PubMed 9341879 (cited by Labcorp Genetics (formerly Invitae), Labcorp and Ambry Genetics); PubMed 15108286 (cited by Labcorp Genetics (formerly Invitae), Labcorp and Ambry Genetics).

NM_000038.6(APC):c.1417C>T (p.Gln473Ter)

Gene: APC (APC regulator of Wnt signaling pathway; plus strand). Cytogenetic location: 5q22.2.
Variant type: single nucleotide variant.
Coding change: c.1417C>T on transcript NM_000038.6 (MANE Select); coding-DNA position 1417, C replaced by T.
Protein change: p.Gln473Ter; replaces glutamine 473 with a stop codon.
Molecular consequence: nonsense.
Genome position (GRCh38, 1-based): chr5:112,827,116, C>T. VCF-style: chr5-112827116-C-T. GRCh37 (hg19) VCF-style: chr5-112162813-C-T.
Other names: c.1342C>T, p.Gln448Ter (NM_001354898.2); c.1333C>T, p.Gln445Ter (NM_001354899.2); c.1363C>T, p.Gln455Ter (NM_001127511.3); c.1417C>T, p.Gln473Ter (NM_001354895.2, NM_001127510.3); c.1471C>T, p.Gln491Ter (NM_001354896.2); c.1447C>T, p.Gln483Ter (NM_001354897.2); c.1294C>T, p.Gln432Ter (NM_001354900.2); c.1240C>T, p.Gln414Ter (NM_001354901.2); and 5 more; short protein forms Q455*, Q473*, Q347*, Q445*, Q313*, Q414*, Q190*, Q382*.
Identifiers: ClinVar variation 230959 (VCV000230959.16), dbSNP rs876658868, ClinGen allele CA10578316.
Genomic context (GRCh38, chr5:112,827,116, plus strand): 5'-GTTTGTTTTATTTTAGATGATTGTCTTTTTCCTCTTGCCCTTTTTAAATTAGGGGGACTA[C>T]AGGCCATTGCAGAATTATTGCAAGTGGACTGTGAAATGTATGGGCTTACTAATGACCACT-3'